The following is an entry in ClinVar:

ClinVar aggregate classification (germline): Pathogenic/Likely pathogenic. Review status: criteria provided, multiple submitters, no conflicts (2 of 4 stars). 4 submissions from 4 submitters: Pathogenic (2); Likely pathogenic (1). 1 of the submissions does not count toward it. Last evaluated 2024-10-04.

Conditions:
OTX2-related disorder. Also called: OTX2-related disorders; OTX2-related condition.
Syndromic microphthalmia type 5 (MCOPS5). Also called: RETINAL DYSTROPHY, EARLY-ONSET, WITH PITUITARY DYSFUNCTION; RETINAL DYSTROPHY, EARLY-ONSET, WITHOUT PITUITARY DYSFUNCTION. Identifiers: Orphanet 178364, MedGen C1864690, MONDO:0012413, OMIM 610125.

Submissions (4):

GeneDx
Classification: Pathogenic. Last evaluated: 2024-10-04. Review status: criteria provided, single submitter. Criteria: GeneDx Variant Classification Process June 2021. Collection method: clinical testing. Allele origin: germline. Affected: yes.
Comment: Reported in an individual with retinal disease in published literature (PMID: 36460718); Nonsense variant predicted to result in protein truncation, as the last 101 amino acids are lost, and other loss-of-function variants have been reported downstream in HGMD; Not observed at significant frequency in large population cohorts (gnomAD); This variant is associated with the following publications: (PMID: 36460718)

Institute of Medical Genetics and Applied Genomics, University Hospital Tübingen
Classification: Pathogenic for Syndromic microphthalmia type 5. Last evaluated: 2023-03-17. Review status: criteria provided, single submitter. Criteria: ACMG Guidelines, 2015. Collection method: clinical testing. Allele origin: germline. Inheritance: Autosomal dominant inheritance. Affected: yes.

Blueprint Genetics
Classification: Likely pathogenic for OTX2-related disorders. Last evaluated: 2022-02-02. Review status: criteria provided, single submitter. Criteria: ACMG Guidelines, 2015. Collection method: clinical testing. Allele origin: germline. Affected: yes. Observed: 1 variant allele.

PreventionGenetics, part of Exact Sciences
Classification: Likely pathogenic for OTX2-related condition. Last evaluated: 2024-09-24. Review status: no assertion criteria provided. Collection method: clinical testing. Allele origin: germline. Not counted in ClinVar's aggregate classification.
Comment: The OTX2 c.567T>G variant is predicted to result in premature protein termination (p.Tyr189*). To our knowledge, this variant has not been reported in the literature or in a large population database, indicating this variant is rare. Nonsense variants in OTX2 are expected to be pathogenic. This variant is interpreted as likely pathogenic.

NM_021728.4(OTX2):c.591T>G (p.Tyr197Ter)

Gene: OTX2 (orthodenticle homeobox 2; minus strand). Cytogenetic location: 14q22.3.
Variant type: single nucleotide variant.
Coding change: c.591T>G on transcript NM_021728.4 (MANE Select); coding-DNA position 591, T replaced by G.
Protein change: p.Tyr197Ter; replaces tyrosine 197 with a stop codon.
Molecular consequence: nonsense. On other transcripts: non-coding transcript variant (2).
Genome position (GRCh38, 1-based): chr14:56,802,038, A>C on the plus strand (T>G on the coding strand, the complement: OTX2 is on the minus strand). VCF-style: chr14-56802038-A-C. GRCh37 (hg19) VCF-style: chr14-57268756-A-C.
Other names: c.567T>G (NM_172337.2); c.591T>G (NM_021728.2); c.567T>G, p.Tyr189Ter (NM_001270523.2, NM_001270524.2, NM_172337.3); c.591T>G, p.Tyr197Ter (NM_001270525.2); short protein forms Y189*, Y197*.
Identifiers: ClinVar variation 2444436 (VCV002444436.4), dbSNP rs747279627, ClinGen allele CA390051536.